The following is an entry in ClinVar:

NM_005216.4(DDOST):c.-27G>A

Gene: DDOST (dolichyl-diphosphooligosaccharide--protein glycosyltransferase non-catalytic subunit; minus strand). Cytogenetic location: 1p36.12.
Variant type: single nucleotide variant.
Coding change: c.-27G>A on transcript NM_005216.4; 27 bases upstream of the start codon, G replaced by A.
Genome position (GRCh38, 1-based): chr1:20,661,428, C>T on the plus strand (G>A on the coding strand, the complement: DDOST is on the minus strand). VCF-style: chr1-20661428-C-T. GRCh37 (hg19) VCF-style: chr1-20987921-C-T.
Identifiers: ClinVar variation 511590 (VCV000511590.3), dbSNP rs17837939, ClinGen allele CA661417.
Genomic context (GRCh38, chr1:20,661,428, plus strand): 5'-AGGACCCAGCACGTGCACACCGGAAGTACCCCATCTACGGTAGCCCAATCGCGGCTCGTG[C>T]CCGTGGAGCACTACCCGGAAGTGATCGGGATACGCCGCGGCTGGGCGTCCAGAGCCGCAG-3'

ClinVar aggregate classification (germline): Likely benign (1 of 4 stars; one submission).

Allele frequency attached by ClinVar (database versions not stated): TOPMed 0.00010.

Submission:

GeneDx
Classification: Likely benign. Last evaluated: 2017-09-07. Review status: criteria provided, single submitter. Criteria: GeneDx Variant Classification (06012015). Collection method: clinical testing. Allele origin: germline. Affected: yes.
Comment: This variant is considered likely benign or benign based on one or more of the following criteria: it is a conservative change, it occurs at a poorly conserved position in the protein, it is predicted to be benign by multiple in silico algorithms, and/or has population frequency not consistent with disease.